The following is an entry in ClinVar:

ClinVar aggregate classification (germline): Pathogenic (1 of 4 stars; one submission).

Submission:

ARUP Laboratories, Molecular Genetics and Genomics, ARUP Laboratories
Classification: Pathogenic. Last evaluated: 2023-09-18. Review status: criteria provided, single submitter. Criteria: ARUP Molecular Germline Variant Investigation Process 2024. Collection method: clinical testing. Allele origin: germline.
Comment: The SOX9 c.376C>T; p.Gln126Ter variant, to our knowledge, is not reported in the medical literature or gene specific databases. This variant is also absent from the Genome Aggregation Database, indicating it is not a common polymorphism. This variant induces an early termination codon and is predicted to result in a truncated protein or mRNA subject to nonsense-mediated decay. Additionally, downstream truncating variants have been described in individuals with campomelic dysplasia and are considered causative (Kim 2011, Kwok 1995, Mattos 2015, Meyer 1997). Based on available information, the p.Gln126Ter variant is considered to be pathogenic. References: Kim HY et al. A case of campomelic dysplasia without sex reversal. J Korean Med Sci. 2011 Jan;26(1):143-5. PMID: 21218044. Kwok C et al. Mutations in SOX9, the gene responsible for Campomelic dysplasia and autosomal sex reversal. Am J Hum Genet. 1995 Nov;57(5):1028-36. PMID: 7485151. Mattos EP et al. Clinical and molecular characterization of a Brazilian cohort of campomelic dysplasia patients, and identification of seven new SOX9 mutations. Genet Mol Biol. 2015 Mar;38(1):14-20. PMID: 25983619. Meyer J et al. Mutational analysis of the SOX9 gene in campomelic dysplasia and autosomal sex reversal: lack of genotype/phenotype correlations. Hum Mol Genet. 1997 Jan;6(1):91-8. PMID: 9002675.

NM_000346.4(SOX9):c.376C>T (p.Gln126Ter)

Genes: SOX9 (SRY-box transcription factor 9; plus strand), LOC108021846 (SOX9 promoter region; plus strand). Cytogenetic location: 17q24.3.
Variant type: single nucleotide variant.
Coding change: c.376C>T on transcript NM_000346.4 (MANE Select); coding-DNA position 376, C replaced by T.
Protein change: p.Gln126Ter; replaces glutamine 126 with a stop codon.
Molecular consequence: nonsense.
Genome position (GRCh38, 1-based): chr17:72,121,767, C>T. VCF-style: chr17-72121767-C-T. GRCh37 (hg19) VCF-style: chr17-70117908-C-T.
Other names: short protein forms Q126*.
Identifiers: ClinVar variation 2921059 (VCV002921059.1), dbSNP rs2143240666, ClinGen allele CA400866135.